The following is an entry in ClinVar:

ClinVar aggregate classification (germline): Uncertain significance (1 of 4 stars; one submission).

Conditions:
Short stature due to primary acid-labile subunit deficiency. Also called: Acid-labile subunit deficiency; Acid-labile subunit, deficiency of. Identifiers: Orphanet 140941, MedGen C3900122, MONDO:0014420, OMIM 615961.

Submission:

Diagnostics Services (NGS), CSIR - Centre For Cellular And Molecular Biology
Classification: Uncertain significance for Short stature due to primary acid-labile subunit deficiency. Last evaluated: 2025-09-11. Review status: criteria provided, single submitter. Criteria: ACMG Guidelines, 2015. Collection method: clinical testing. Allele origin: germline. Affected: yes. Observed: 1 variant allele, 1 homozygote.
Comment: The c.1739_1742delinsTCAC variant is not present in 1000 Genomes, EVS, gnomAD, Indian Exome Database or our internal database. This variant has neither been published in the literature for IGFALS-related conditions nor reported to clinical databases like Human Genome Mutation database (HGMD), OMIM, or ClinVar in any affected individuals. In-silico pathogenicity prediction programs like MutationTaster2021, CADD, etc predicted this variant to be likely deleterious, however these predictions were not confirmed by published functional studies.

NM_004970.3(IGFALS):c.1739_1742delinsTCAC (p.Asn580_Ile581delinsIleThr)

Gene: IGFALS (insulin like growth factor binding protein acid labile subunit; minus strand). Cytogenetic location: 16p13.3.
Variant type: Indel.
Coding change: c.1739_1742delinsTCAC on transcript NM_004970.3 (MANE Select); coding-DNA positions 1739 to 1742, ACAT replaced by TCAC.
Protein change: p.Asn580_Ile581delinsIleThr.
Molecular consequence: missense variant. On other transcripts: non-coding transcript variant (1).
Genome position (GRCh38, 1-based): chr16:1,790,676-1,790,679, ATGT replaced by GTGA on the plus strand (ACAT replaced by TCAC on the coding strand, the reverse complement: IGFALS is on the minus strand). VCF-style: chr16-1790676-ATGT-GTGA. GRCh37 (hg19) VCF-style: chr16-1840677-ATGT-GTGA.
Other names: c.1853_1856delinsTCAC, p.Asn618_Ile619delinsIleThr (NM_001146006.2).
Identifiers: ClinVar variation 4279603 (VCV004279603.1).